The following is an entry in ClinVar:

ClinVar aggregate classification (germline): Uncertain significance (1 of 4 stars; one submission).

Conditions:
Combined immunodeficiency due to STIM1 deficiency. Also called: STIM1 DEFICIENCY; IMMUNODEFICIENCY 10. Identifiers: Orphanet 169090, Orphanet 317430, MedGen C2748557, MONDO:0013008, OMIM 612783.
Myopathy with tubular aggregates (TAM). Also called: Tubular Aggregate Myopathy. Identifiers: Orphanet 2593, MedGen C0410207, MONDO:0008051.
Stormorken syndrome (STRMK). Also called: THROMBOCYTOPATHY, ASPLENIA, AND MIOSIS. Identifiers: Orphanet 3204, MedGen C1861451, MONDO:0008497, OMIM 185070.

Submission:

Labcorp Genetics (formerly Invitae), Labcorp
Classification: Uncertain significance for Myopathy with tubular aggregates; Combined immunodeficiency due to STIM1 deficiency; Stormorken syndrome. Last evaluated: 2021-08-13. Review status: criteria provided, single submitter. Criteria: Invitae Variant Classification Sherloc (09022015). Collection method: clinical testing. Allele origin: germline.
Comment: In summary, the available evidence is currently insufficient to determine the role of this variant in disease. Therefore, it has been classified as a Variant of Uncertain Significance. Algorithms developed to predict the effect of missense changes on protein structure and function (SIFT, PolyPhen-2, Align-GVGD) all suggest that this variant is likely to be tolerated. This sequence change replaces proline with serine at codon 466 of the STIM1 protein (p.Pro466Ser). The proline residue is moderately conserved and there is a moderate physicochemical difference between proline and serine. This variant is not present in population databases (ExAC no frequency). This variant has not been reported in the literature in individuals affected with STIM1-related conditions.

NM_001382567.1(STIM1):c.1396C>T (p.Pro466Ser)

Gene: STIM1 (stromal interaction molecule 1; plus strand). Cytogenetic location: 11p15.4.
Variant type: single nucleotide variant.
Coding change: c.1396C>T on transcript NM_001382567.1 (MANE Select); coding-DNA position 1396, C replaced by T.
Protein change: p.Pro466Ser; replaces proline 466 with serine.
Molecular consequence: missense variant. On other transcripts: non-coding transcript variant (2).
Genome position (GRCh38, 1-based): chr11:4,083,420, C>T. VCF-style: chr11-4083420-C-T. GRCh37 (hg19) VCF-style: chr11-4104650-C-T.
Other names: c.1396C>T, p.Pro466Ser (NM_001277961.3, NM_001277962.2, NM_003156.4); c.1174C>T, p.Pro392Ser (NM_001382566.1, NM_001382573.1, NM_001382575.1 and 4 more transcripts); c.1417C>T, p.Pro473Ser (NM_001382568.1); c.1261C>T, p.Pro421Ser (NM_001382569.1); c.1168C>T, p.Pro390Ser (NM_001382570.1); c.916C>T, p.Pro306Ser (NM_001382571.1); c.907C>T, p.Pro303Ser (NM_001382580.1, NM_001382581.1); short protein forms P303S, P306S, P473S, P392S, P421S, P466S, P390S.
Identifiers: ClinVar variation 1367643 (VCV001367643.6), dbSNP rs2133226679, ClinGen allele CA379194375.